The following is an entry in ClinVar:

ClinVar aggregate classification (germline): Likely benign (1 of 4 stars; one submission).

Submission:

CeGaT Center for Human Genetics Tuebingen
Classification: Likely benign. Last evaluated: 2025-03-01. Review status: criteria provided, single submitter. Criteria: CeGaT Center For Human Genetics Tuebingen Variant Classification Criteria Version 2. Collection method: clinical testing. Allele origin: germline. Affected: yes. Observed: 1 variant allele.
Comment: KIF1A: PM2:Supporting, BP4, BP7

NM_001244008.2(KIF1A):c.183A>C (p.Ser61=)

Gene: KIF1A (kinesin family member 1A; minus strand). Cytogenetic location: 2q37.3.
Variant type: single nucleotide variant.
Coding change: c.183A>C on transcript NM_001244008.2 (MANE Select); coding-DNA position 183, A replaced by C.
Protein change: p.Ser61=; no amino-acid change (serine 61 retained).
Molecular consequence: synonymous variant.
Genome position (GRCh38, 1-based): chr2:240,789,236, T>G on the plus strand (A>C on the coding strand, the complement: KIF1A is on the minus strand). VCF-style: chr2-240789236-T-G. GRCh37 (hg19) VCF-style: chr2-241728653-T-G.
Other names: c.183A>C, p.Ser61= (NM_001379648.1, NM_001379649.1, NM_001379650.1 and 20 more transcripts).
Identifiers: ClinVar variation 3778039 (VCV003778039.7).